The following is an entry in ClinVar:

NM_000051.4(ATM):c.*5C>A

Genes: C11orf65 (chromosome 11 open reading frame 65; minus strand), ATM (ATM serine/threonine kinase; plus strand). Cytogenetic location: 11q22.3.
Variant type: single nucleotide variant.
Coding change: c.*5C>A on transcript NM_000051.4 (MANE Select); 5 bases downstream of the stop codon, C replaced by A.
Molecular consequence: 3 prime UTR variant. On other transcripts: intron variant (2).
Genome position (GRCh38, 1-based): chr11:108,365,513, C>A. VCF-style: chr11-108365513-C-A. GRCh37 (hg19) VCF-style: chr11-108236240-C-A.
Other names: c.*5C>A (NM_001351834.2); c.640+20407G>T (NM_001330368.2); c.694+20407G>T (NM_001351110.2).
Identifiers: ClinVar variation 1787639 (VCV001787639.2), dbSNP rs2137931990, ClinGen allele CA2580083358.
Genomic context (GRCh38, chr11:108,365,513, plus strand): 5'-CCATAGACCCCAAAAATCTCAGCCGACTTTTCCCAGGATGGAAAGCTTGGGTGTGATCTT[C>A]AGTATATGAATTACCCTTTCATTCAGCCTTTAGAAATTATATTTTAGCCTTTATTTTTAA-3'

ClinVar aggregate classification (germline): Uncertain significance (1 of 4 stars; one submission).

Conditions:
Hereditary cancer-predisposing syndrome. Also called: Hereditary neoplastic syndrome; Neoplastic Syndromes, Hereditary; Tumor predisposition; Hereditary Cancer Syndrome. Identifiers: Orphanet 140162, MedGen C0027672, MeSH D009386, MONDO:0015356.

Submission:

Ambry Genetics
Classification: Uncertain significance for Hereditary cancer-predisposing syndrome. Last evaluated: 2017-03-30. Review status: criteria provided, single submitter. Criteria: Ambry Variant Classification Scheme 2023. Collection method: clinical testing. Allele origin: germline.
Comment: The c.*5C>A variant is located in the 3' untranslated region (3&rsquo; UTR) of the ATM gene. This variant results from a C to A substitution 5 nucleotides after the last translated codon. This nucleotide position is not well conserved in available vertebrate species. Since supporting evidence is limited at this time, the clinical significance of this alteration remains unclear.